The following is an entry in ClinVar:

ClinVar aggregate classification (germline): Uncertain significance (1 of 4 stars; one submission).

Conditions:
Gorlin syndrome. Also called: Nevoid Basal Cell Carcinoma Syndrome; Basal cell nevus syndrome. Identifiers: Orphanet 377, MedGen C0004779, MONDO:0007187.

Submission:

Labcorp Genetics (formerly Invitae), Labcorp
Classification: Uncertain significance for Gorlin syndrome. Last evaluated: 2019-10-17. Review status: criteria provided, single submitter. Criteria: Invitae Variant Classification Sherloc (09022015). Collection method: clinical testing. Allele origin: germline.
Comment: Algorithms developed to predict the effect of missense changes on protein structure and function are either unavailable or do not agree on the potential impact of this missense change (SIFT: "Tolerated"; PolyPhen-2: "Probably Damaging"; Align-GVGD: "Class C0"). In summary, the available evidence is currently insufficient to determine the role of this variant in disease. Therefore, it has been classified as a Variant of Uncertain Significance. This variant has not been reported in the literature in individuals with PTCH1-related conditions. This variant is not present in population databases (ExAC no frequency). This sequence change replaces proline with threonine at codon 964 of the PTCH1 protein (p.Pro964Thr). The proline residue is moderately conserved and there is a small physicochemical difference between proline and threonine.

NM_000264.5(PTCH1):c.2890C>A (p.Pro964Thr)

Gene: PTCH1 (patched 1; minus strand). Cytogenetic location: 9q22.32.
Variant type: single nucleotide variant.
Coding change: c.2890C>A on transcript NM_000264.5 (MANE Select); coding-DNA position 2890, C replaced by A.
Protein change: p.Pro964Thr; replaces proline 964 with threonine.
Molecular consequence: missense variant. On other transcripts: non-coding transcript variant (1).
Genome position (GRCh38, 1-based): chr9:95,458,291, G>T on the plus strand (C>A on the coding strand, the complement: PTCH1 is on the minus strand). VCF-style: chr9-95458291-G-T. GRCh37 (hg19) VCF-style: chr9-98220573-G-T.
Other names: c.2692C>A, p.Pro898Thr (NM_001083602.3); c.2887C>A, p.Pro963Thr (NM_001083603.3); c.2437C>A, p.Pro813Thr (NM_001083604.3, NM_001083605.3, NM_001083606.3 and 1 more transcripts); c.2734C>A, p.Pro912Thr (NM_001354918.2); short protein forms P813T, P898T, P912T, P963T, P964T.
Identifiers: ClinVar variation 969609 (VCV000969609.10), dbSNP rs1839141749, ClinGen allele CA374112847.